The following is an entry in ClinVar:

NM_001370785.2(LRRC7):c.3458G>C (p.Arg1153Thr)

Genes: LRRC7 (leucine rich repeat containing 7; plus strand), LRRC7-AS1 (LRRC7 antisense RNA 1; minus strand). Cytogenetic location: 1p31.1.
Variant type: single nucleotide variant.
Coding change: c.3458G>C on transcript NM_001370785.2 (MANE Select); coding-DNA position 3458, G replaced by C.
Protein change: p.Arg1153Thr; replaces arginine 1153 with threonine.
Molecular consequence: missense variant.
Genome position (GRCh38, 1-based): chr1:70,039,282, G>C. VCF-style: chr1-70039282-G-C. GRCh37 (hg19) VCF-style: chr1-70504965-G-C.
Other names: NM_020794.2:c.3344G>C; c.3359G>C, p.Arg1120Thr (NM_001330635.3, NM_001366841.1); c.3461G>C, p.Arg1154Thr (NM_001350216.3); c.3458G>C, p.Arg1153Thr (NM_001366838.3); c.3299G>C, p.Arg1100Thr (NM_001366839.3); short protein forms R1153T, R1154T, R1120T, R1100T.
Identifiers: ClinVar variation 5010026 (VCV005010026.1).

ClinVar aggregate classification (germline): Uncertain significance (1 of 4 stars; one submission).

Submission:

GeneDx
Classification: Uncertain significance. Last evaluated: 2026-02-25. Review status: criteria provided, single submitter. Criteria: GeneDx Variant Classification Process June 2021. Collection method: clinical testing. Allele origin: germline.
Comment: Not observed at significant frequency in large population cohorts (gnomAD); In silico analysis supports that this missense variant has a deleterious effect on protein structure/function; Has not been previously published as pathogenic or benign to our knowledge